The following is an entry in ClinVar:

NM_080605.4(B3GALT6):c.833C>T (p.Thr278Met)

Gene: B3GALT6 (beta-1,3-galactosyltransferase 6; plus strand). Cytogenetic location: 1p36.33.
Variant type: single nucleotide variant.
Coding change: c.833C>T on transcript NM_080605.4 (MANE Select); coding-DNA position 833, C replaced by T.
Protein change: p.Thr278Met; replaces threonine 278 with methionine.
Molecular consequence: missense variant.
Genome position (GRCh38, 1-based): chr1:1,233,111, C>T. VCF-style: chr1-1233111-C-T. GRCh37 (hg19) VCF-style: chr1-1168491-C-T.
Other names: c.833C>T (NM_080605.3); short protein forms T278M.
Identifiers: ClinVar variation 1425625 (VCV001425625.7), dbSNP rs775252357, ClinGen allele CA513447.

ClinVar aggregate classification (germline): Uncertain significance. Review status: criteria provided, multiple submitters, no conflicts (2 of 4 stars). 3 submissions from 3 submitters: Uncertain significance (3). Last evaluated 2025-06-01.

Conditions:
Ehlers-Danlos syndrome, spondylodysplastic type, 2 (EDSSPD2). Also called: Ehlers-Danlos syndrome, progeroid type, 2. Identifiers: Orphanet 536467, Orphanet 75496, MedGen C3809210, MONDO:0014139, OMIM 615349.
Spondyloepimetaphyseal dysplasia with joint laxity (SEMDJL). Identifiers: MedGen C0432243, MONDO:0019675.

Allele frequency attached by ClinVar (database versions not stated): gnomAD 0.00003; ExAC 0.00011; TOPMed 0.00002.

Submissions (3):

GeneDx
Classification: Uncertain significance. Last evaluated: 2025-06-01. Review status: criteria provided, single submitter. Criteria: GeneDx Variant Classification Process June 2021. Collection method: clinical testing. Allele origin: germline.
Comment: Has not been previously published as pathogenic or benign to our knowledge; In silico analysis supports that this missense variant has a deleterious effect on protein structure/function; Not observed at significant frequency in large population cohorts (gnomAD)

Labcorp Genetics (formerly Invitae), Labcorp
Classification: Uncertain significance for Ehlers-Danlos syndrome, spondylodysplastic type, 2; Spondyloepimetaphyseal dysplasia with joint laxity. Last evaluated: 2022-10-31. Review status: criteria provided, single submitter. Criteria: Invitae Variant Classification Sherloc (09022015). Collection method: clinical testing. Allele origin: germline.
Comment: This sequence change replaces threonine, which is neutral and polar, with methionine, which is neutral and non-polar, at codon 278 of the B3GALT6 protein (p.Thr278Met). The frequency data for this variant in the population databases is considered unreliable, as metrics indicate poor data quality at this position in the gnomAD database. This variant has not been reported in the literature in individuals affected with B3GALT6-related conditions. ClinVar contains an entry for this variant (Variation ID: 1425625). Advanced modeling of protein sequence and biophysical properties (such as structural, functional, and spatial information, amino acid conservation, physicochemical variation, residue mobility, and thermodynamic stability) performed at Invitae indicates that this missense variant is not expected to disrupt B3GALT6 protein function. In summary, the available evidence is currently insufficient to determine the role of this variant in disease. Therefore, it has been classified as a Variant of Uncertain Significance.

Breakthrough Genomics
Classification: Uncertain significance. Review status: criteria provided, single submitter. Criteria: ACMG Guidelines, 2015. Collection method: not provided. Allele origin: germline. Inheritance: Autosomal recessive inheritance. Affected: yes.